The following is an entry in ClinVar:

NM_020774.4(MIB1):c.2665+4A>G

Gene: MIB1 (MIB E3 ubiquitin protein ligase 1; plus strand). Cytogenetic location: 18q11.2.
Variant type: single nucleotide variant.
Coding change: c.2665+4A>G on transcript NM_020774.4 (MANE Select); 4 bases into the intron after coding-DNA position 2665, A replaced by G.
Molecular consequence: intron variant.
Genome position (GRCh38, 1-based): chr18:21,853,222, A>G. VCF-style: chr18-21853222-A-G. GRCh37 (hg19) VCF-style: chr18-19433183-A-G.
Identifiers: ClinVar variation 1309845 (VCV001309845.2), dbSNP rs2042196777, ClinGen allele CA2573054630.

ClinVar aggregate classification (germline): Uncertain significance (1 of 4 stars; one submission).

Allele frequency attached by ClinVar (database versions not stated): gnomAD exomes below 0.00001.
gnomAD v4.1: 2 of 1,596,764 alleles (0.00013%); highest among the groups gnomAD compares: Non-Finnish European, 0.00017%; no homozygotes.

Submission:

GeneDx
Classification: Uncertain significance. Last evaluated: 2019-10-29. Review status: criteria provided, single submitter. Criteria: GeneDx Variant Classification Process June 2021. Collection method: clinical testing. Allele origin: germline. Affected: yes.
Comment: Has not been previously published as pathogenic or benign to our knowledge; Not observed in large population cohorts (Lek et al., 2016); In silico analysis, which includes splice predictors and evolutionary conservation, suggests this variant may impact gene splicing; in the absence of RNA/functional studies, the actual effect of this sequence change is unknown